The following is an entry in ClinVar:

ClinVar aggregate classification (germline): Uncertain significance (1 of 4 stars; one submission).

Conditions:
Hereditary nonpolyposis colorectal neoplasms. Identifiers: MedGen C0009405, MeSH D003123.

Submission:

Labcorp Genetics (formerly Invitae), Labcorp
Classification: Uncertain significance for Hereditary nonpolyposis colorectal neoplasms. Last evaluated: 2020-02-08. Review status: criteria provided, single submitter. Criteria: Invitae Variant Classification Sherloc (09022015). Collection method: clinical testing. Allele origin: germline.
Comment: This sequence change replaces lysine with asparagine at codon 748 of the PMS2 protein (p.Lys748Asn). The lysine residue is highly conserved and there is a moderate physicochemical difference between lysine and asparagine. The frequency data for this variant in the population databases (ExAC) is considered unreliable due to the presence of homologous sequence, such as pseudogenes or paralogs, in the genome. This variant has not been reported in the literature in individuals with PMS2-related conditions. Algorithms developed to predict the effect of missense changes on protein structure and function (SIFT, PolyPhen-2, Align-GVGD) all suggest that this variant is likely to be disruptive, but these predictions have not been confirmed by published functional studies and their clinical significance is uncertain. In summary, the available evidence is currently insufficient to determine the role of this variant in disease. Therefore, it has been classified as a Variant of Uncertain Significance.

NM_000535.7(PMS2):c.2244G>T (p.Lys748Asn)

Gene: PMS2 (PMS1 homolog 2, mismatch repair system component; minus strand). Cytogenetic location: 7p22.1.
Variant type: single nucleotide variant.
Coding change: c.2244G>T on transcript NM_000535.7 (MANE Select); coding-DNA position 2244, G replaced by T.
Protein change: p.Lys748Asn; replaces lysine 748 with asparagine.
Molecular consequence: missense variant. On other transcripts: non-coding transcript variant (1).
Genome position (GRCh38, 1-based): chr7:5,978,627, C>A on the plus strand (G>T on the coding strand, the complement: PMS2 is on the minus strand). VCF-style: chr7-5978627-C-A. GRCh37 (hg19) VCF-style: chr7-6018258-C-A.
Other names: c.1839G>T, p.Lys613Asn (NM_001322003.2, NM_001322004.2, NM_001322005.2 and 1 more transcripts); c.2088G>T, p.Lys696Asn (NM_001322006.2); c.1926G>T, p.Lys642Asn (NM_001322007.2, NM_001322008.2); c.1683G>T, p.Lys561Asn (NM_001322010.2); c.1311G>T, p.Lys437Asn (NM_001322011.2, NM_001322012.2); c.1671G>T, p.Lys557Asn (NM_001322013.2); c.2244G>T, p.Lys748Asn (NM_001322014.2); c.1935G>T, p.Lys645Asn (NM_001322015.2); short protein forms K437N, K557N, K561N, K613N, K642N, K645N, K696N, K748N.
Identifiers: ClinVar variation 1021780 (VCV001021780.9), dbSNP rs1443656360, ClinGen allele CA366736606.